The following is an entry in ClinVar:

ClinVar aggregate classification (germline): drug response (0 of 4 stars; one submission).

Conditions:
Corticosteroids response. Also called: Corticosteroid response.

Submission:

Genetic Testing Lab, Ashok and Rita Patel Institute of Integrated Study and Research in Biotechnology and Allied Sciences
Classification: drug response for Corticosteroid response. Last evaluated: 2022-05-20. Review status: no assertion criteria provided. Collection method: research. Allele origin: somatic. Affected: yes. Observed: 37 variant alleles.
Comment: Depending upon patients response to standard corticosteroids therapy, they were classified to be either Steroid resistance(SRNS)(poor metabolizer) or steroid sensitive(SSNS)(likley responsive)

NM_004924.6(ACTN4):c.562T>C (p.Phe188Leu)

Gene: ACTN4 (actinin alpha 4; plus strand). Cytogenetic location: 19q13.2.
Variant type: single nucleotide variant.
Coding change: c.562T>C on transcript NM_004924.6 (MANE Select); coding-DNA position 562, T replaced by C.
Protein change: p.Phe188Leu; replaces phenylalanine 188 with leucine.
Molecular consequence: missense variant.
Genome position (GRCh38, 1-based): chr19:38,706,121, T>C. VCF-style: chr19-38706121-T-C. GRCh37 (hg19) VCF-style: chr19-39196761-T-C.
Other names: c.562T>C, p.Phe188Leu (NM_001322033.2); short protein forms F188L.
Identifiers: ClinVar variation 1698689 (VCV001698689.2), dbSNP rs2145014279, ClinGen allele CA405691568.
Genomic context (GRCh38, chr19:38,706,121, plus strand): 5'-GGGCTCCTTCTCTGGTGCCAGAGAAAGACAGCCCCGTATAAGAACGTCAATGTGCAGAAC[T>C]TCCACATCAGGTAAGCGCCAGTCCTGGTCATCCTCTCCTTTCCTCTAGGAACCTGAGATC-3'
Protein context (NP_004915.2, residues 178-198): APYKNVNVQN[Phe188Leu]HISWKDGLAF